The following is an entry in ClinVar:

NM_000170.3(GLDC):c.1285_1286insCAAA (p.Leu429fs)

Gene: GLDC (glycine decarboxylase; minus strand). Cytogenetic location: 9p24.1.
Variant type: Insertion.
Coding change: c.1285_1286insCAAA on transcript NM_000170.3 (MANE Select); coding-DNA positions 1285 to 1286, CAAA inserted.
Protein change: p.Leu429fs; shifts the reading frame from leucine 429.
Molecular consequence: frameshift variant.
Genome position: GRCh38 VCF-style: chr9-6592966-A-ATTTG. GRCh37 (hg19) VCF-style: chr9-6592966-A-ATTTG.
Other names: short protein forms L429fs.
Identifiers: ClinVar variation 56041 (VCV000056041.2), dbSNP rs386833522, ClinGen allele CA263290.

ClinVar aggregate classification (germline): Likely pathogenic (0 of 4 stars; one submission).

Conditions:
Glycine encephalopathy. Also called: Nonketotic hyperglycinemia; Non-ketotic hyperglycinemia. Identifiers: Orphanet 407, MedGen C0751748, MONDO:0011612, HP:0008288.

Submission:

Juha Muilu Group; Institute for Molecular Medicine Finland (FIMM)
Classification: Likely pathogenic for Non-ketotic hyperglycinemia. Review status: no assertion criteria provided. Collection method: not provided. Allele origin: unknown.
Comment: FinDis database variant: This variant was not found or characterized by our laboratory, data were collected from public sources: see reference
ClinVar note: Converted during submission from probable-pathogenic to Likely pathogenic.